The following is an entry in ClinVar:

NM_058216.3(RAD51C):c.579A>G (p.Arg193=)

Gene: RAD51C (RAD51 paralog C; plus strand). Cytogenetic location: 17q22.
Variant type: single nucleotide variant.
Coding change: c.579A>G on transcript NM_058216.3 (MANE Select); coding-DNA position 579, A replaced by G.
Protein change: p.Arg193=; no amino-acid change (arginine 193 retained).
Molecular consequence: synonymous variant. On other transcripts: non-coding transcript variant (1).
Genome position (GRCh38, 1-based): chr17:58,703,203, A>G. VCF-style: chr17-58703203-A-G. GRCh37 (hg19) VCF-style: chr17-56780564-A-G.
Identifiers: ClinVar variation 492377 (VCV000492377.10), dbSNP rs770096766, ClinGen allele CA8677279.

ClinVar aggregate classification (germline): Benign/Likely benign. Review status: criteria provided, multiple submitters, no conflicts (2 of 4 stars). 5 submissions from 5 submitters: Benign (1); Likely benign (4). Last evaluated 2025-09-08.

Conditions:
Familial ovarian cancer. Identifiers: MedGen C5679802, MONDO:0016248.
Hereditary cancer-predisposing syndrome. Also called: Tumor predisposition; Neoplastic Syndromes, Hereditary; Hereditary Cancer Syndrome; Hereditary neoplastic syndrome. Identifiers: Orphanet 140162, MedGen C0027672, MeSH D009386, MONDO:0015356.
Breast-ovarian cancer, familial, susceptibility to, 3. Also called: RAD51C-Related Breast/Ovarian Cancer. Identifiers: Orphanet 145, MedGen C3150659, MONDO:0013253, OMIM 613399.
Fanconi anemia complementation group O. Also called: RAD51C-Related Fanconi Anemia. Identifiers: Orphanet 84, MedGen C3150653, MONDO:0013248, OMIM 613390.

Allele frequency attached by ClinVar (database versions not stated): gnomAD exomes below 0.00001; ExAC 0.00001.
gnomAD v4.1: 2 of 1,611,986 alleles (0.00012%); highest among the groups gnomAD compares: East Asian, 0.0022%; no homozygotes.

Submissions (5):

Labcorp Genetics (formerly Invitae), Labcorp
Classification: Likely benign for Fanconi anemia complementation group O. Last evaluated: 2025-09-08. Review status: criteria provided, single submitter. Criteria: Invitae Variant Classification Sherloc (09022015). Collection method: clinical testing. Allele origin: germline.

Myriad Genetics, Inc.
Classification: Benign for Breast-ovarian cancer, familial, susceptibility to, 3. Last evaluated: 2025-02-18. Review status: criteria provided, single submitter. Criteria: Myriad Autosomal Dominant, Autosomal Recessive and X-Linked Classification Criteria (2023). Collection method: clinical testing. Allele origin: unknown.
Comment: This variant is considered benign. This variant is a silent/synonymous amino acid change and it is not expected to impact splicing.

Molecular Pathology, Peter Maccallum Cancer Centre
Classification: Likely benign for Familial ovarian cancer. Last evaluated: 2024-07-22. Review status: criteria provided, single submitter. Criteria: ACMG Guidelines, 2015. Collection method: clinical testing. Allele origin: germline. Inheritance: Autosomal dominant inheritance.

Ambry Genetics
Classification: Likely benign for Hereditary cancer-predisposing syndrome. Last evaluated: 2019-04-22. Review status: criteria provided, single submitter. Criteria: Ambry Variant Classification Scheme 2023. Collection method: clinical testing. Allele origin: germline.

Color Diagnostics, LLC DBA Color Health
Classification: Likely benign for Hereditary cancer-predisposing syndrome. Last evaluated: 2017-09-08. Review status: criteria provided, single submitter. Criteria: ACMG Guidelines, 2015. Collection method: clinical testing. Allele origin: germline.